The following is an entry in ClinVar:

NM_001042681.2(RERE):c.1512dup (p.Tyr505fs)

Gene: RERE (arginine-glutamic acid dipeptide repeats; minus strand). Cytogenetic location: 1p36.23.
Variant type: Duplication.
Coding change: c.1512dup on transcript NM_001042681.2 (MANE Select); coding-DNA position 1512, one base duplicated (G; older notation c.1512dupG).
Protein change: p.Tyr505fs; shifts the reading frame from tyrosine 505.
Molecular consequence: frameshift variant. On other transcripts: 5 prime UTR variant (1).
Genome position (GRCh38, 1-based): chr1:8,364,774, C duplicated on the plus strand (G on the coding strand, the reverse complement: RERE is on the minus strand); the first of 4 consecutive C bases (chr1:8,364,774-8,364,777); duplicating any one gives the same sequence. VCF-style (leftmost placement, unchanged base first): chr1-8364773-A-AC. GRCh37 (hg19) VCF-style: chr1-8424833-A-AC.
Other names: c.-151dup (NM_001042682.2); c.1512dup, p.Tyr505fs (NM_012102.4); short protein forms Y505fs.
Identifiers: ClinVar variation 4852803 (VCV004852803.1).

ClinVar aggregate classification (germline): Likely pathogenic (1 of 4 stars; one submission).

Conditions:
RERE-related disorder. Also called: RERE-related condition; RERE-Related Disorders. Identifiers: MedGen CN381537.

Submission:

Clinical Genomics Laboratory, Stanford Medicine
Classification: Likely pathogenic for RERE-related disorder. Last evaluated: 2022-03-15. Review status: criteria provided, single submitter. Criteria: ACMG Guidelines, 2015. Collection method: clinical testing. Allele origin: maternal. Inheritance: Autosomal dominant inheritance. Affected: yes. Observed: 2 variant alleles, 2 heterozygotes. Clinical features observed: Autism spectrum disorder, speech delay.
Comment: The p.Tyr505Valfs*37 variant in the RERE gene has not been previously reported in association with disease. This variant was absent from large population databases, including the Genome Aggregation Database. This variant results in a 1 bp insertion in exon 15 of 24 exons, causing a shift in the protein reading frame leading to a premature termination codon 37 amino acids downstream, and is therefore predicted to undergo nonsense-mediated decay resulting in a truncated or absent protein. Heterozygous loss of function is an established mechanism of disease for the RERE gene. These data were assessed using the ACMG/AMP variant interpretation guidelines. In summary, there is sufficient evidence to classify the p.Tyr505Valfs*37 variant as likely pathogenic for autosomal dominant RERE-related disorder based on the information above. [ACMG evidence codes used: PVS1; PM2]